The following is an entry in ClinVar:

NM_001393769.1(MED12L):c.6040C>A (p.Pro2014Thr)

Gene: MED12L (mediator complex subunit 12L; plus strand). Cytogenetic location: 3q25.1.
Variant type: single nucleotide variant.
Coding change: c.6040C>A on transcript NM_001393769.1 (MANE Select); coding-DNA position 6040, C replaced by A.
Protein change: p.Pro2014Thr; replaces proline 2014 with threonine.
Molecular consequence: missense variant.
Genome position (GRCh38, 1-based): chr3:151,411,407, C>A. VCF-style: chr3-151411407-C-A. GRCh37 (hg19) VCF-style: chr3-151129195-C-A.
Other names: c.5935C>A, p.Pro1979Thr (NM_053002.6); short protein forms P1979T, P2014T.
Identifiers: ClinVar variation 5018064 (VCV005018064.1).

ClinVar aggregate classification (germline): Uncertain significance (1 of 4 stars; one submission).

Submission:

GeneDx
Classification: Uncertain significance. Last evaluated: 2026-03-31. Review status: criteria provided, single submitter. Criteria: GeneDx Variant Classification Process June 2021. Collection method: clinical testing. Allele origin: germline.
Comment: Not observed at significant frequency in large population cohorts (gnomAD); In silico analysis supports that this missense variant has a deleterious effect on protein structure/function; Has not been previously published as pathogenic or benign to our knowledge